The following is an entry in ClinVar:

NM_001083926.2(ASRGL1):c.611-11T>G

Gene: ASRGL1 (asparaginase and isoaspartyl peptidase 1; plus strand). Cytogenetic location: 11q12.3.
Variant type: single nucleotide variant.
Coding change: c.611-11T>G on transcript NM_001083926.2 (MANE Select); 11 bases into the intron before coding-DNA position 611, T replaced by G.
Molecular consequence: intron variant.
Genome position (GRCh38, 1-based): chr11:62,391,511, T>G. VCF-style: chr11-62391511-T-G. GRCh37 (hg19) VCF-style: chr11-62158983-T-G.
Other names: c.611-11T>G (NM_025080.4).
Identifiers: ClinVar variation 3654959 (VCV003654959.2).

ClinVar aggregate classification (germline): Uncertain significance (1 of 4 stars; one submission).

Submission:

Labcorp Genetics (formerly Invitae), Labcorp
Classification: Uncertain significance. Last evaluated: 2024-07-15. Review status: criteria provided, single submitter. Criteria: Invitae Variant Classification Sherloc (09022015). Collection method: clinical testing. Allele origin: germline.
Comment: This sequence change falls in intron 5 of the ASRGL1 gene. It does not directly change the encoded amino acid sequence of the ASRGL1 protein. This variant is not present in population databases (gnomAD no frequency). This variant has not been reported in the literature in individuals affected with ASRGL1-related conditions. Algorithms developed to predict the effect of sequence changes on RNA splicing suggest that this variant may disrupt the consensus splice site. In summary, the available evidence is currently insufficient to determine the role of this variant in disease. Therefore, it has been classified as a Variant of Uncertain Significance.